The following is an entry in ClinVar:

NM_001378454.1(ALMS1):c.8413T>C (p.Ser2805Pro)

Gene: ALMS1 (ALMS1 centrosome and basal body associated protein; plus strand). Cytogenetic location: 2p13.1.
Variant type: single nucleotide variant.
Coding change: c.8413T>C on transcript NM_001378454.1 (MANE Select); coding-DNA position 8413, T replaced by C.
Protein change: p.Ser2805Pro; replaces serine 2805 with proline.
Molecular consequence: missense variant.
Genome position (GRCh38, 1-based): chr2:73,490,372, T>C. VCF-style: chr2-73490372-T-C. GRCh37 (hg19) VCF-style: chr2-73717499-T-C.
Other names: c.8416T>C, p.Ser2806Pro (NM_015120.4); short protein forms S2805P, S2806P.
Identifiers: ClinVar variation 2081966 (VCV002081966.4), dbSNP rs2466215658, ClinGen allele CA347268757.

ClinVar aggregate classification (germline): Uncertain significance (1 of 4 stars; one submission).

Conditions:
Alstrom syndrome (ALMS). Identifiers: Orphanet 64, MedGen C0268425, MONDO:0008763, OMIM 203800.

Submission:

Labcorp Genetics (formerly Invitae), Labcorp
Classification: Uncertain significance for Alstrom syndrome. Last evaluated: 2022-11-29. Review status: criteria provided, single submitter. Criteria: Invitae Variant Classification Sherloc (09022015). Collection method: clinical testing. Allele origin: germline.
Comment: In summary, the available evidence is currently insufficient to determine the role of this variant in disease. Therefore, it has been classified as a Variant of Uncertain Significance. Experimental studies and prediction algorithms are not available or were not evaluated, and the functional significance of this variant is currently unknown. This variant has not been reported in the literature in individuals affected with ALMS1-related conditions. This variant is not present in population databases (gnomAD no frequency). This sequence change replaces serine, which is neutral and polar, with proline, which is neutral and non-polar, at codon 2806 of the ALMS1 protein (p.Ser2806Pro).